The following is an entry in ClinVar:

ClinVar aggregate classification (germline): Likely pathogenic (1 of 4 stars; one submission).

Conditions:
Microcephalic osteodysplastic primordial dwarfism type II (MOPD2). Also called: Microcephalic osteodysplastic primordial dwarfism with tooth abnormalities; MOPD II; OSTEODYSPLASTIC PRIMORDIAL DWARFISM, TYPE II. Identifiers: Orphanet 2637, MedGen C0432246, MONDO:0008872, OMIM 210720.

gnomAD v4.1: 4 of 1,614,006 alleles (0.00025%); highest among the groups gnomAD compares: African/African-American, 0.004%; no homozygotes.

Submission:

First Genomix Gene Laboratory, Genetic Diagnostics Department
Classification: Likely pathogenic for Microcephalic osteodysplastic primordial dwarfism type II. Last evaluated: 2025-04-30. Review status: criteria provided, single submitter. Criteria: ACMG Guidelines, 2015. Collection method: clinical testing. Allele origin: germline. Inheritance: Autosomal recessive inheritance. Affected: no. Observed: 1 variant allele.

NM_006031.6(PCNT):c.67C>T (p.Arg23Ter)

Genes: PCNT (pericentrin; plus strand), LOC128092249 (uncharacterized LOC128092249; plus strand). Cytogenetic location: 21q22.3.
Variant type: single nucleotide variant.
Coding change: c.67C>T on transcript NM_006031.6 (MANE Select); coding-DNA position 67, C replaced by T.
Protein change: p.Arg23Ter; replaces arginine 23 with a stop codon.
Molecular consequence: nonsense. On other transcripts: synonymous variant (1), 5 prime UTR variant (1).
Genome position (GRCh38, 1-based): chr21:46,326,389, C>T. VCF-style: chr21-46326389-C-T. GRCh37 (hg19) VCF-style: chr21-47746303-C-T.
Other names: c.102C>T, p.Ser34= (NM_001414902.1); c.-288C>T (NM_001315529.2); short protein forms R23*.
Identifiers: ClinVar variation 4845932 (VCV004845932.1).